The following is an entry in ClinVar:

NM_001114753.3(ENG):c.1721TCA[1] (p.Ile575del)

Genes: ENG (endoglin; minus strand), LOC102723566 (uncharacterized LOC102723566; plus strand). Cytogenetic location: 9q34.11.
Variant type: Microsatellite.
Coding change: c.1721TCA[1] on transcript NM_001114753.3 (MANE Select); one copy of the 3-base unit TCA starting at c.1721; the reference has two copies in a row; one copy, 3 bases deleted.
Protein change: p.Ile575del; deletes isoleucine 575.
Molecular consequence: inframe deletion. On other transcripts: non-coding transcript variant (1), inframe indel (1).
Genome position (GRCh38, 1-based): chr9:127,817,164-127,817,166, TGA deleted on the plus strand (TCA on the coding strand, the reverse complement: ENG is on the minus strand); deleting any 3 consecutive bases within chr9:127,817,164-127,817,171 gives the same sequence; the position shown is the placement nearest the transcript's 3' end. VCF-style (leftmost placement, unchanged base first): chr9-127817163-CTGA-C. GRCh37 (hg19) VCF-style: chr9-130579442-CTGA-C.
Other names: c.1724_1726delTCA (NM_000118.3); c.1719_1721CAT[1], p.Ile575del (NM_000118.4); c.1175TCA[1], p.Ile393del (NM_001278138.2); short protein forms I575del, I393del.
Identifiers: ClinVar variation 577833 (VCV000577833.11), dbSNP rs777038953, ClinGen allele CA5252668.
Genomic context (GRCh38, chr9:127,817,163, plus strand): 5'-GACCTCAGCCACTAGAACAAACCCGAGAGACCTGGAGGGAGCTCACCAGACAGGTCAGGG[CTGA>C]TGATGTTCAAGCGCATGAAGACAGTCCTATGGACTTCCTGGAGGAGAAAGAGAGAGCAGT-3'

ClinVar aggregate classification (germline): Uncertain significance (1 of 4 stars; one submission).

Conditions:
Hereditary hemorrhagic telangiectasia (HHT). Also called: Osler hemorrhagic telangiectasia syndrome; ORW DISEASE; Osler Weber Rendu syndrome; OSLER-RENDU-WEBER DISEASE. Identifiers: Orphanet 774, MedGen C0039445, MONDO:0019180. Disease mechanism: loss of function.

Submission:

Labcorp Genetics (formerly Invitae), Labcorp
Classification: Uncertain significance for Hereditary hemorrhagic telangiectasia. Last evaluated: 2018-03-05. Review status: criteria provided, single submitter. Criteria: Invitae Variant Classification Sherloc (09022015). Collection method: clinical testing. Allele origin: germline.
Comment: This variant, c.1724_1726delTCA, results in the deletion of 1 amino acid(s) of the ENG protein (p.Ile575del), but otherwise preserves the integrity of the reading frame. This variant is present in population databases (rs777038953, ExAC 0.01%). This variant has not been reported in the literature in individuals with ENG-related disease. Experimental studies and prediction algorithms are not available for this variant, and the functional significance of the deleted amino acid is currently unknown. In summary, the available evidence is currently insufficient to determine the role of this variant in disease. Therefore, it has been classified as a Variant of Uncertain Significance.